The following is an entry in ClinVar:

ClinVar aggregate classification (germline): Uncertain significance (1 of 4 stars; one submission).

gnomAD v4.1: 6 of 1,612,838 alleles (0.00037%); highest among the groups gnomAD compares: South Asian, 0.0022%; no homozygotes.

Submission:

Dasa
Classification: Uncertain significance. Last evaluated: 2025-08-29. Review status: criteria provided, single submitter. Criteria: DASA Assertion Criteria. Collection method: clinical testing. Allele origin: germline.
Comment: NM_032217.5(ANKRD17):c.2230G>T (p.Ala744Ser) is a missense variant that results in the substitution of alanine with serine. Multiple computational predictions support a deleterious effect on the gene or gene product. The variant is present at low frequency in population datasets. Based on the available data, this variant is classified as variant of uncertain significance.

NM_032217.5(ANKRD17):c.2230G>T (p.Ala744Ser)

Gene: ANKRD17 (ankyrin repeat domain 17; minus strand). Cytogenetic location: 4q13.3.
Variant type: single nucleotide variant.
Coding change: c.2230G>T on transcript NM_032217.5 (MANE Select); coding-DNA position 2230, G replaced by T.
Protein change: p.Ala744Ser; replaces alanine 744 with serine.
Molecular consequence: missense variant.
Genome position (GRCh38, 1-based): chr4:73,141,843, C>A on the plus strand (G>T on the coding strand, the complement: ANKRD17 is on the minus strand). VCF-style: chr4-73141843-C-A. GRCh37 (hg19) VCF-style: chr4-74007560-C-A.
Other names: c.1891G>T, p.Ala631Ser (NM_001286771.3); c.2230G>T, p.Ala744Ser (NM_015574.2, NM_198889.3); short protein forms A631S, A744S.
Identifiers: ClinVar variation 4851805 (VCV004851805.1).